The following is an entry in ClinVar:

NM_000038.6(APC):c.2188A>G (p.Met730Val)

Gene: APC (APC regulator of Wnt signaling pathway; plus strand). Cytogenetic location: 5q22.2.
Variant type: single nucleotide variant.
Coding change: c.2188A>G on transcript NM_000038.6 (MANE Select); coding-DNA position 2188, A replaced by G.
Protein change: p.Met730Val; replaces methionine 730 with valine.
Molecular consequence: missense variant.
Genome position (GRCh38, 1-based): chr5:112,837,782, A>G. VCF-style: chr5-112837782-A-G. GRCh37 (hg19) VCF-style: chr5-112173479-A-G.
Other names: c.2188A>G, p.Met730Val (NM_001127510.3, NM_001354895.2); c.2134A>G, p.Met712Val (NM_001127511.3); c.2242A>G, p.Met748Val (NM_001354896.2); c.2218A>G, p.Met740Val (NM_001354897.2); c.2113A>G, p.Met705Val (NM_001354898.2); c.2104A>G, p.Met702Val (NM_001354899.2); c.2065A>G, p.Met689Val (NM_001354900.2); c.2011A>G, p.Met671Val (NM_001354901.2); and 5 more; short protein forms M671V, M705V, M730V, M639V, M702V, M748V, M447V, M570V.
Identifiers: ClinVar variation 820848 (VCV000820848.14), dbSNP rs1580619095, ClinGen allele CA16026124.

ClinVar aggregate classification (germline): Uncertain significance. Review status: criteria provided, multiple submitters, no conflicts (2 of 4 stars). 3 submissions from 3 submitters: Uncertain significance (3). Last evaluated 2025-11-03.

Conditions:
Hereditary cancer-predisposing syndrome. Also called: Neoplastic Syndromes, Hereditary; Tumor predisposition; Hereditary Cancer Syndrome; Hereditary neoplastic syndrome. Identifiers: Orphanet 140162, MedGen C0027672, MeSH D009386, MONDO:0015356.
Familial adenomatous polyposis 1 (FAP1). Also called: FAMILIAL ADENOMATOUS POLYPOSIS 1, ATTENUATED; POLYPOSIS, ADENOMATOUS INTESTINAL. Identifiers: MedGen C2713442, MONDO:0021056, OMIM 175100. Disease mechanism: loss of function.

gnomAD v4.1: 2 of 1,612,008 alleles (0.00012%); highest among the groups gnomAD compares: Non-Finnish European, 0.000085%; no homozygotes.

Submissions (3):

Ambry Genetics
Classification: Uncertain significance for Hereditary cancer-predisposing syndrome. Last evaluated: 2025-11-03. Review status: criteria provided, single submitter. Criteria: Ambry Variant Classification Scheme 2023. Collection method: clinical testing. Allele origin: germline.
Comment: The p.M730V variant (also known as c.2188A>G), located in coding exon 15 of the APC gene, results from an A to G substitution at nucleotide position 2188. The methionine at codon 730 is replaced by valine, an amino acid with highly similar properties. This amino acid position is highly conserved in available vertebrate species. In addition, in silico predictors for this gene do not accurately predict pathogenicity. Missense variants in APC are not a common cause of disease (Spier I et al. Genet Med. 2024 Feb;26(2):100992). Based on the available evidence, the clinical significance of this variant remains unclear.

Labcorp Genetics (formerly Invitae), Labcorp
Classification: Uncertain significance for Familial adenomatous polyposis 1. Last evaluated: 2025-04-02. Review status: criteria provided, single submitter. Criteria: Invitae Variant Classification Sherloc (09022015). Collection method: clinical testing. Allele origin: germline.
Comment: This sequence change replaces methionine, which is neutral and non-polar, with valine, which is neutral and non-polar, at codon 730 of the APC protein (p.Met730Val). This variant is not present in population databases (gnomAD no frequency). This variant has not been reported in the literature in individuals affected with APC-related conditions. ClinVar contains an entry for this variant (Variation ID: 820848). Invitae Evidence Modeling of protein sequence and biophysical properties (such as structural, functional, and spatial information, amino acid conservation, physicochemical variation, residue mobility, and thermodynamic stability) indicates that this missense variant is not expected to disrupt APC protein function with a negative predictive value of 95%. In summary, the available evidence is currently insufficient to determine the role of this variant in disease. Therefore, it has been classified as a Variant of Uncertain Significance.

Women's Health and Genetics/Laboratory Corporation of America, LabCorp
Classification: Uncertain significance. Last evaluated: 2022-02-09. Review status: criteria provided, single submitter. Criteria: LabCorp Variant Classification Summary - May 2015. Collection method: clinical testing. Allele origin: germline.

Literature cited by the submitters: PubMed 35980532 (cited by Ambry Genetics).